The following is an entry in ClinVar:

NM_001134831.2(AHI1):c.1933C>T (p.Arg645Cys)

Gene: AHI1 (Abelson helper integration site 1; minus strand). Cytogenetic location: 6q23.3.
Variant type: single nucleotide variant.
Coding change: c.1933C>T on transcript NM_001134831.2 (MANE Select); coding-DNA position 1933, C replaced by T.
Protein change: p.Arg645Cys; replaces arginine 645 with cysteine.
Molecular consequence: missense variant.
Genome position (GRCh38, 1-based): chr6:135,438,478, G>A on the plus strand (C>T on the coding strand, the complement: AHI1 is on the minus strand). VCF-style: chr6-135438478-G-A. GRCh37 (hg19) VCF-style: chr6-135759616-G-A.
Other names: c.1933C>T, p.Arg645Cys (NM_001134830.2, NM_001134832.2, NM_001350503.2 and 2 more transcripts); short protein forms R645C.
Identifiers: ClinVar variation 1339000 (VCV001339000.2), dbSNP rs1291908829, ClinGen allele CA365744356.

ClinVar aggregate classification (germline): Uncertain significance (1 of 4 stars; one submission).

Conditions:
Joubert syndrome 3 (JBTS3). Also called: AHI1-related Ciliopathy. Identifiers: Orphanet 220493, MedGen C1837713, MONDO:0012078, OMIM 608629.

Allele frequency attached by ClinVar (database versions not stated): TOPMed below 0.00001; gnomAD 0.00001; gnomAD exomes 0.00001.
gnomAD v4.1: 10 of 1,546,832 alleles (0.00065%); highest among the groups gnomAD compares: African/African-American, 0.0014%; no homozygotes.

Submission:

Neuberg Centre For Genomic Medicine, NCGM
Classification: Uncertain significance for Joubert syndrome 3. Review status: criteria provided, single submitter. Criteria: ACMG Guidelines, 2015. Collection method: clinical testing. Allele origin: germline. Affected: yes.
Comment: The missense variant p.R645C in AHI1 (NM_017651.5) has not been reported previously as a pathogenic variant nor as a benign variant, to our knowledge. The p.R645C variant is novel (not in any individuals) in gnomAD Exomes and is novel (not in any individuals) in 1000 Genomes. The p.R645C missense variant is predicted to be damaging by both SIFT and PolyPhen2. The cysteine residue at codon 645 of AHI1 is only present in a single other mammalian species: Platypus. The nucleotide c.1933 in AHI1 is predicted conserved by GERP++ and PhyloP across 100 vertebrates. For these reasons, this variant has been classified as Uncertain Significance.